The following is an entry in ClinVar:

ClinVar aggregate classification (germline): Conflicting classifications of pathogenicity. Review status: criteria provided, conflicting classifications (1 of 4 stars). 6 submissions from 5 submitters: Pathogenic (2); Likely pathogenic (1); Uncertain significance (1). 2 of the submissions do not count toward it. Last evaluated 2026-07-20.

Conditions:
Melnick-Needles syndrome (MNS). Also called: MELNICK-NEEDLES OSTEODYSPLASTY; Melnick-Needles Syndrome (FLNA-MNS); OSTEODYSPLASTY OF MELNICK AND NEEDLES. Identifiers: Orphanet 2484, MedGen C0025237, MONDO:0010650, OMIM 309350.
Frontometaphyseal dysplasia (FMD1). Identifiers: Orphanet 1826, MedGen C0265293, MONDO:0015942.
Oto-palato-digital syndrome, type II (OPD2). Also called: Otopalatodigital Syndrome Type 2 (FLNA-OPD2); OPD II SYNDROME; FACIOPALATOOSSEOUS SYNDROME; Otopalatodigital Syndrome, Type II. Identifiers: Orphanet 669, Orphanet 90652, MedGen C1844696, MONDO:0010571, OMIM 304120.
Heterotopia, periventricular, X-linked dominant (PVNH1). Also called: PERIVENTRICULAR NODULAR HETEROTOPIA 4; HETEROTOPIA, PERIVENTRICULAR, 1; PERIVENTRICULAR NODULAR HETEROTOPIA 1; X-linked periventricular heterotopia. Identifiers: Orphanet 2149, Orphanet 82004, MedGen C1848213, MONDO:0010233, OMIM 300049.
Oto-palato-digital syndrome, type I (OPD1). Also called: Taybi syndrome; Otopalatodigital Syndrome Type 1 (FLNA-OPD1); OPD I SYNDROME; OPD SYNDROME 1; Otopalatodigital Syndrome, Type I. Identifiers: Orphanet 669, Orphanet 90650, MedGen C0265251, MONDO:0010704, OMIM 311300.

Submissions (6):

GeneDx
Classification: Likely pathogenic. Last evaluated: 2026-07-20. Review status: criteria provided, single submitter. Criteria: GeneDx Variant Classification Process June 2021. Collection method: clinical testing. Allele origin: germline.
Comment: Not observed at significant frequency in large population cohorts (gnomAD); In silico analysis supports that this missense variant has a deleterious effect on protein structure/function; This variant is associated with the following publications: (PMID: 33767182, 12612583, 17264970, 37010288, 38684300, 41086097)

Labcorp Genetics (formerly Invitae), Labcorp
Classification: Pathogenic for Oto-palato-digital syndrome, type II; Heterotopia, periventricular, X-linked dominant; Frontometaphyseal dysplasia; Melnick-Needles syndrome. Last evaluated: 2022-06-13. Review status: criteria provided, single submitter. Criteria: Invitae Variant Classification Sherloc (09022015). Collection method: clinical testing. Allele origin: germline.
Comment: This variant is not present in population databases (gnomAD no frequency). For these reasons, this variant has been classified as Pathogenic. Advanced modeling of protein sequence and biophysical properties (such as structural, functional, and spatial information, amino acid conservation, physicochemical variation, residue mobility, and thermodynamic stability) performed at Invitae indicates that this missense variant is expected to disrupt FLNA protein function. ClinVar contains an entry for this variant (Variation ID: 11772). This missense change has been observed in individuals with clinical features of FLNA-related conditions (PMID: 12612583, 15194946, 17264970; Invitae). This sequence change replaces arginine, which is basic and polar, with tryptophan, which is neutral and slightly polar, at codon 196 of the FLNA protein (p.Arg196Trp).

Eurofins Ntd Llc (ga)
Classification: Uncertain significance. Last evaluated: 2014-01-21. Review status: criteria provided, single submitter. Criteria: EGL Classification Definitions 2015. Collection method: clinical testing. Allele origin: germline. Observed: 1 variant allele, 1 hemizygote.

Claritas Genomics
Classification: Pathogenic for OPD1. Last evaluated: 2008-02-28. Review status: criteria provided, single submitter. Criteria: ACMG Guidelines, 2007. Collection method: clinical testing. Allele origin: germline. Inheritance: X-linked inheritance.

OMIM
Classification: Pathogenic for OTOPALATODIGITAL SYNDROME, TYPE I. Last evaluated: 2007-01-01. Review status: no assertion criteria provided. Collection method: literature only. Allele origin: germline. Not counted in ClinVar's aggregate classification.

OMIM
Classification: Pathogenic for OTOPALATODIGITAL SYNDROME, TYPE II. Last evaluated: 2007-01-01. Review status: no assertion criteria provided. Collection method: literature only. Allele origin: germline. Not counted in ClinVar's aggregate classification.

Literature cited by the submitters: PubMed 12612583 (cited by Labcorp Genetics (formerly Invitae), Labcorp and Eurofins Ntd Llc (ga)); PubMed 15194946 (cited by Labcorp Genetics (formerly Invitae), Labcorp); PubMed 17264970 (cited by 3 submitters); PubMed 15917206 (cited by OMIM).

NM_001110556.2(FLNA):c.586C>T (p.Arg196Trp)

Gene: FLNA (filamin A; minus strand). Cytogenetic location: Xq28.
Variant type: single nucleotide variant.
Coding change: c.586C>T on transcript NM_001110556.2 (MANE Select); coding-DNA position 586, C replaced by T.
Protein change: p.Arg196Trp; replaces arginine 196 with tryptophan.
Molecular consequence: missense variant.
Genome position (GRCh38, 1-based): chrX:154,367,878, G>A on the plus strand (C>T on the coding strand, the complement: FLNA is on the minus strand). VCF-style: chrX-154367878-G-A. GRCh37 (hg19) VCF-style: chrX-153596246-G-A.
Other names: c.586C>T, p.Arg196Trp (NM_001456.4); short protein forms R196W.
Identifiers: ClinVar variation 11772 (VCV000011772.18), dbSNP rs137853317, ClinGen allele CA234009.